The following is an entry in ClinVar:

ClinVar aggregate classification (germline): Uncertain significance (1 of 4 stars; one submission).

Allele frequency attached by ClinVar (database versions not stated): gnomAD exomes below 0.00001.
gnomAD v4.1: 1 of 1,614,082 alleles (0.000062%); highest among the groups gnomAD compares: East Asian, 0.0022%; no homozygotes.

Submission:

Labcorp Genetics (formerly Invitae), Labcorp
Classification: Uncertain significance. Last evaluated: 2025-04-21. Review status: criteria provided, single submitter. Criteria: Invitae Variant Classification Sherloc (09022015). Collection method: clinical testing. Allele origin: germline.
Comment: This sequence change replaces glycine, which is neutral and non-polar, with valine, which is neutral and non-polar, at codon 1342 of the ATR protein (p.Gly1342Val). This variant is not present in population databases (gnomAD no frequency). This variant has not been reported in the literature in individuals affected with ATR-related conditions. ClinVar contains an entry for this variant (Variation ID: 2736430). An algorithm developed to predict the effect of missense changes on protein structure and function (PolyPhen-2) suggests that this variant is likely to be disruptive. In summary, the available evidence is currently insufficient to determine the role of this variant in disease. Therefore, it has been classified as a Variant of Uncertain Significance.

NM_001184.4(ATR):c.4025G>T (p.Gly1342Val)

Gene: ATR (ATR checkpoint kinase; minus strand). Cytogenetic location: 3q23.
Variant type: single nucleotide variant.
Coding change: c.4025G>T on transcript NM_001184.4 (MANE Select); coding-DNA position 4025, G replaced by T.
Protein change: p.Gly1342Val; replaces glycine 1342 with valine.
Molecular consequence: missense variant.
Genome position (GRCh38, 1-based): chr3:142,524,120, C>A on the plus strand (G>T on the coding strand, the complement: ATR is on the minus strand). VCF-style: chr3-142524120-C-A. GRCh37 (hg19) VCF-style: chr3-142242962-C-A.
Other names: c.3833G>T, p.Gly1278Val (NM_001354579.2); short protein forms G1342V, G1278V.
Identifiers: ClinVar variation 2736430 (VCV002736430.3), dbSNP rs2108399602, ClinGen allele CA354802612.